The following is an entry in ClinVar:

NR_033294.2(SNORD118):n.116C>T

Genes: SNORD118 (small nucleolar RNA, C/D box 118; minus strand), TMEM107 (transmembrane protein 107; minus strand). Cytogenetic location: 17p13.1.
Variant type: single nucleotide variant.
Molecular consequence: non-coding transcript variant (on NR_033294.2). On other transcripts: 3 prime UTR variant (5).
Genome position: GRCh38 VCF-style: chr17-8173473-G-A. GRCh37 (hg19) VCF-style: chr17-8076791-G-A.
Other names: c.*730C>T (NM_001351278.2, NM_001351279.2, NM_001351280.2 and 2 more transcripts).
Identifiers: ClinVar variation 1599029 (VCV001599029.37), dbSNP rs181334320, ClinGen allele CA8370594.
Genomic context (GRCh38, chr17:8,173,473, plus strand): 5'-GCTAATCAGCATAACACAAATGTAAGTGATCGTCAGAAAGAATCAGACAGGAGCAATCAG[G>A]GTGTTGCAAGTCCTGATTACGCAGAGACGTTAATCACGTTTCATGCATCTCCAATCATCA-3'

ClinVar aggregate classification (germline): Benign/Likely benign. Review status: criteria provided, multiple submitters, no conflicts (2 of 4 stars). 4 submissions from 4 submitters: Benign (3); Likely benign (1). Last evaluated 2026-01-28.

Conditions:
SNORD118-related condition.

Allele frequency attached by ClinVar (database versions not stated): 1000 Genomes Project 30x 0.00141; 1000 Genomes Project 0.00180; ESP Exome Variant Server 0.00279.
gnomAD v4.1: 2,647 of 764,556 alleles (0.35%); highest among the groups gnomAD compares: Non-Finnish European, 0.41%; 8 homozygotes.

Submissions (4):

Labcorp Genetics (formerly Invitae), Labcorp
Classification: Benign. Last evaluated: 2026-01-28. Review status: criteria provided, single submitter. Criteria: Invitae Variant Classification Sherloc (09022015). Collection method: clinical testing. Allele origin: germline.

CeGaT Center for Human Genetics Tuebingen
Classification: Likely benign. Last evaluated: 2025-12-01. Review status: criteria provided, single submitter. Criteria: CeGaT Center For Human Genetics Tuebingen Variant Classification Criteria Version 2. Collection method: clinical testing. Allele origin: germline. Affected: yes. Observed: 13 variant alleles.
Comment: SNORD118: BS2; TMEM107: BS2

PreventionGenetics, part of Exact Sciences
Classification: Benign for SNORD118-related condition. Last evaluated: 2024-12-02. Review status: criteria provided, single submitter. Criteria: ACMG Guidelines, 2015. Collection method: clinical testing. Allele origin: germline.
Comment: This variant is classified as benign based on ACMG/AMP sequence variant interpretation guidelines (Richards et al. 2015 PMID: 25741868, with internal and published modifications).

Breakthrough Genomics
Classification: Benign. Review status: criteria provided, single submitter. Criteria: ACMG Guidelines, 2015. Collection method: not provided. Allele origin: germline. Inheritance: Autosomal recessive inheritance. Affected: yes.